The following is an entry in ClinVar:

NM_014847.4(UBAP2L):c.2510T>C (p.Ile837Thr)

Gene: UBAP2L (ubiquitin associated protein 2 like; plus strand). Cytogenetic location: 1q21.3.
Variant type: single nucleotide variant.
Coding change: c.2510T>C on transcript NM_014847.4 (MANE Select); coding-DNA position 2510, T replaced by C.
Protein change: p.Ile837Thr; replaces isoleucine 837 with threonine.
Molecular consequence: missense variant.
Genome position (GRCh38, 1-based): chr1:154,259,961, T>C. VCF-style: chr1-154259961-T-C. GRCh37 (hg19) VCF-style: chr1-154232437-T-C.
Other names: c.2510T>C, p.Ile837Thr (NM_001127320.3, NM_001375614.1, NM_001375615.1 and 14 more transcripts); c.2489T>C, p.Ile830Thr (NM_001287815.1); c.2543T>C, p.Ile848Thr (NM_001287816.1, NM_001330730.1, NM_001375612.1 and 2 more transcripts); short protein forms I830T, I837T, I848T.
Identifiers: ClinVar variation 3368247 (VCV003368247.1).

ClinVar aggregate classification (germline): Uncertain significance (1 of 4 stars; one submission).

Submission:

GeneDx
Classification: Uncertain significance. Last evaluated: 2024-01-22. Review status: criteria provided, single submitter. Criteria: GeneDx Variant Classification Process June 2021. Collection method: clinical testing. Allele origin: germline. Affected: yes.
Comment: Not observed at significant frequency in large population cohorts (gnomAD); In silico analysis supports that this missense variant has a deleterious effect on protein structure/function; Has not been previously published as pathogenic or benign to our knowledge